The following is an entry in ClinVar:

NM_000212.3(ITGB3):c.1388G>C (p.Cys463Ser)

Gene: ITGB3 (integrin subunit beta 3; plus strand). Cytogenetic location: 17q21.32.
Variant type: single nucleotide variant.
Coding change: c.1388G>C on transcript NM_000212.3 (MANE Select); coding-DNA position 1388, G replaced by C.
Protein change: p.Cys463Ser; replaces cysteine 463 with serine.
Molecular consequence: missense variant.
Genome position (GRCh38, 1-based): chr17:47,292,266, G>C. VCF-style: chr17-47292266-G-C. GRCh37 (hg19) VCF-style: chr17-45369632-G-C.
Other names: NM_000212.3:c.1388G>C; short protein forms C463S.
Identifiers: ClinVar variation 1691487 (VCV001691487.3), dbSNP rs2143112826, ClinGen allele CA400029054.

ClinVar aggregate classification (germline): Likely pathogenic (3 of 4 stars; one submission).

Conditions:
Glanzmann thrombasthenia. Also called: PLATELET GLYCOPROTEIN IIb-IIIa DEFICIENCY; Glanzmann's thrombasthenia; BLEEDING DISORDER, PLATELET-TYPE, 2; THROMBASTHENIA OF GLANZMANN AND NAEGELI; Thrombasthenia. Identifiers: Orphanet 849, MedGen C0040015, MONDO:0100326.

Allele frequency attached by ClinVar (database versions not stated): gnomAD exomes below 0.00001.
gnomAD v4.1: 2 of 1,614,222 alleles (0.00012%); highest among the groups gnomAD compares: South Asian, 0.0011%; no homozygotes.

Submission:

ClinGen Platelet Disorders Variant Curation Expert Panel, ClinGen
Classification: Likely pathogenic for Glanzmann thrombasthenia. Last evaluated: 2025-03-06. Review status: reviewed by expert panel. Criteria: ClinGen Platelet ACMG Specifications v2-1. Collection method: curation. Allele origin: germline. Inheritance: Autosomal recessive inheritance.
Comment: The NM_000212.3(ITGB3):c.1388G>C (p.Cys463Ser) missense variant has been observed in at least one GT patient (Patient 7 in PMID: 34267460), whom displayed mucocutaneous bleeding and impaired aggregation with all agonists except ristocetin, which is highly specific for Glanzmann thrombasthenia. Additionally, αIIbβ3 surface expression was reduced to 0.5-1.7%, as measured by flow cytometry (PP4_strong). The variant was been reported to segregate with Glanzmann thrombasthenia in Patient 7 plus one affected family member, both with the homozygous Cys463Ser genotype. (PM3_supporting, PP1; PMID: 34267460). The highest population minor allele frequency in gnomAD v4.1 is 0.00001098 (1/91078 alleles) in the South Asian genetic ancestry group, which is lower than the ClinGen PD VCEP threshold (<0.0001; PM2_Supporting). The computational predictor REVEL gives a score of 0.898, which is above the ClinGen PD VCEP threshold of >0.7 and predicts a damaging effect on function (PP3). In summary this variant meets criteria to be classified as Likely Pathogenic for autosomal recessive Glanzmann Thrombasthenia based on the ACMG/AMP criteria applied, as specified by the ClinGen PD VCEP: PP4_strong, PP1, PP3, PM2_supporting, PM3_supporting. (VCEP specifications version 2.1)